The following is an entry in ClinVar:

ClinVar aggregate classification (germline): Benign. Review status: reviewed by expert panel (3 of 4 stars). 11 submissions from 10 submitters: Benign (1). 10 of the submissions do not count toward it. Last evaluated 2024-08-07.

Conditions:
Autosomal dominant centronuclear myopathy. Also called: Myopathy, centronuclear, 3; MYOTUBULAR MYOPATHY, AUTOSOMAL DOMINANT. Identifiers: Orphanet 169189, MedGen C4551952, MeSH D020914, MONDO:0008048, OMIM 160150.
Charcot-Marie-Tooth disease dominant intermediate B (CMTDIB). Also called: Charcot-Marie-Tooth disease dominant intermediate 1; CMT DI1; Charcot-Marie-Tooth disease dominant intermediate I; CHARCOT-MARIE-TOOTH NEUROPATHY, DOMINANT INTERMEDIATE B. Identifiers: Orphanet 100044, Orphanet 228179, MedGen C1847902, MONDO:0011674, OMIM 606482.
Centronuclear myopathy (CNM). Also called: Myotubular myopathy; Centronuclear myopathy, congenital. Identifiers: Orphanet 595, MedGen C0175709, MONDO:0018947. Inheritance: All.

Allele frequency attached by ClinVar (database versions not stated): gnomAD exomes 0.00092 and 0.00255; ExAC 0.00335; gnomAD 0.01001 and 0.01064; TOPMed 0.01103; ESP Exome Variant Server 0.01230; 1000 Genomes Project 0.01258; 1000 Genomes Project 30x 0.01280.
gnomAD v4.1: 2,929 of 1,613,434 alleles (0.18%); highest among the groups gnomAD compares: African/African-American, 3.5%; 55 homozygotes.

Submissions (11):

ClinGen Congenital Myopathies Variant Curation Expert Panel, ClinGen
Classification: Benign for Centronuclear myopathy. Last evaluated: 2024-08-07. Review status: reviewed by expert panel. Criteria: ClinGen CongenMyopathy ACMG Specifications DNM2 V1.0.0. Collection method: curation. Allele origin: germline. Inheritance: Autosomal dominant inheritance.
Comment: The variant NM_001005361.3:c.2484G>A in DNM2 is a synonymous (silent) variant (p.Pro828=). The filtering allele frequency (the lower threshold of the 95% CI of 2652/74982) of the c.2484G>A variant in DNM2 is 0.03445 for African/African American chromosomes by gnomAD v4.1, which is higher than the ClinGen Congenital Myopathies VCEP threshold (≥0.0000015) for BA1, and therefore meets this criterion (BA1). The c.2484G>A (p.Pro828=) variant is a synonymous (silent) variant that is not predicted by SpliceAI to impact splicing. In addition, it occurs at a nucleotide that is not conserved as shown by UCSC Genome Browser (BP4, BP7). In summary, this variant meets the criteria to be classified as benign for autosomal dominant centronuclear myopathy based on the ACMG/AMP criteria applied, as specified by the ClinGen Congenital Myopathies VCEP: BA1, BP4, BP7. (ClinGen Congenital Myopathies VCEP specifications version 1; 8/7/2024)

Labcorp Genetics (formerly Invitae), Labcorp
Classification: Benign for Charcot-Marie-Tooth disease dominant intermediate B. Last evaluated: 2026-01-27. Review status: criteria provided, single submitter. Criteria: Invitae Variant Classification Sherloc (09022015). Collection method: clinical testing. Allele origin: germline. Not counted in ClinVar's aggregate classification.

ARUP Laboratories, Molecular Genetics and Genomics, ARUP Laboratories
Classification: Benign. Last evaluated: 2022-03-31. Review status: criteria provided, single submitter. Criteria: ARUP Molecular Germline Variant Investigation Process 2021. Collection method: clinical testing. Allele origin: germline. Not counted in ClinVar's aggregate classification.

Mayo Clinic Laboratories, Mayo Clinic
Classification: Benign. Last evaluated: 2018-05-09. Review status: criteria provided, single submitter. Criteria: ACMG Guidelines, 2015. Collection method: clinical testing. Allele origin: germline. Observed: 13 variant alleles. Not counted in ClinVar's aggregate classification.

Athena Diagnostics
Classification: Benign. Last evaluated: 2018-02-01. Review status: criteria provided, single submitter. Criteria: Athena Diagnostics Criteria. Collection method: clinical testing. Allele origin: germline. Not counted in ClinVar's aggregate classification.

Illumina Laboratory Services, Illumina
Classification: Benign for Autosomal dominant centronuclear myopathy. Last evaluated: 2018-01-12. Review status: criteria provided, single submitter. Criteria: ICSL Variant Classification Criteria 13 December 2019. Collection method: clinical testing. Allele origin: germline. Not counted in ClinVar's aggregate classification.
Comment: This variant was observed in the ICSL laboratory as part of a predisposition screen in an ostensibly healthy population. It had not been previously curated by ICSL or reported in the Human Gene Mutation Database (HGMD: prior to June 1st, 2018), and was therefore a candidate for classification through an automated scoring system. Utilizing variant allele frequency, disease prevalence and penetrance estimates, and inheritance mode, an automated score was calculated to assess if this variant is too frequent to cause the disease. Based on the score and internal cut-off values, a variant classified as benign is not then subjected to further curation. The score for this variant resulted in a classification of benign for this disease.

Illumina Laboratory Services, Illumina
Classification: Benign for Charcot-Marie-Tooth disease dominant intermediate B. Last evaluated: 2018-01-12. Review status: criteria provided, single submitter. Criteria: ICSL Variant Classification Criteria 13 December 2019. Collection method: clinical testing. Allele origin: germline. Not counted in ClinVar's aggregate classification.
Comment: the same text as in the submission from Illumina Laboratory Services, Illumina above.

GeneDx
Classification: Benign. Last evaluated: 2015-12-08. Review status: criteria provided, single submitter. Criteria: GeneDx Variant Classification (06012015). Collection method: clinical testing. Allele origin: germline. Affected: yes. Not counted in ClinVar's aggregate classification.
Comment: This variant is considered likely benign or benign based on one or more of the following criteria: it is a conservative change, it occurs at a poorly conserved position in the protein, it is predicted to be benign by multiple in silico algorithms, and/or has population frequency not consistent with disease.

Genetic Services Laboratory, University of Chicago
Classification: Benign. Last evaluated: 2013-02-08. Review status: criteria provided, single submitter. Criteria: ACMG Guidelines, 2007. Collection method: clinical testing. Allele origin: germline. Inheritance: Autosomal dominant inheritance. Not counted in ClinVar's aggregate classification.

Breakthrough Genomics
Classification: Benign. Review status: criteria provided, single submitter. Criteria: ACMG Guidelines, 2015. Collection method: not provided. Allele origin: germline. Inheritance: Autosomal recessive inheritance. Affected: yes. Not counted in ClinVar's aggregate classification.

PreventionGenetics, part of Exact Sciences
Classification: Benign. Review status: criteria provided, single submitter. Criteria: ACMG Guidelines, 2015. Collection method: clinical testing. Allele origin: germline. Not counted in ClinVar's aggregate classification.

NM_001005361.3(DNM2):c.2484G>A (p.Pro828=)

Gene: DNM2 (dynamin 2; plus strand). Cytogenetic location: 19p13.2.
Variant type: single nucleotide variant.
Coding change: c.2484G>A on transcript NM_001005361.3 (MANE Select); coding-DNA position 2484, G replaced by A.
Protein change: p.Pro828=; no amino-acid change (proline 828 retained).
Molecular consequence: synonymous variant.
Genome position (GRCh38, 1-based): chr19:10,830,319, G>A. VCF-style: chr19-10830319-G-A. GRCh37 (hg19) VCF-style: chr19-10940995-G-A.
Other names: NM_001005361.3(DNM2):c.2484G>A; p.Pro828=; c.2484G>A, p.Pro828= (NM_001005360.3, NM_001190716.2); c.2472G>A, p.Pro824= (NM_001005362.3, NM_004945.4).
Identifiers: ClinVar variation 158526 (VCV000158526.31), dbSNP rs114682382, ClinGen allele CA172130.